The following is an entry in ClinVar:

NM_003265.3(TLR3):c.1986C>G (p.Asn662Lys)

Gene: TLR3 (toll like receptor 3; plus strand). Cytogenetic location: 4q35.1.
Variant type: single nucleotide variant.
Coding change: c.1986C>G on transcript NM_003265.3 (MANE Select); coding-DNA position 1986, C replaced by G.
Protein change: p.Asn662Lys; replaces asparagine 662 with lysine.
Molecular consequence: missense variant.
Genome position (GRCh38, 1-based): chr4:186,083,672, C>G. VCF-style: chr4-186083672-C-G. GRCh37 (hg19) VCF-style: chr4-187004826-C-G.
Other names: short protein forms N662K.
Identifiers: ClinVar variation 852096 (VCV000852096.10), dbSNP rs149490656, ClinGen allele CA3161505.

ClinVar aggregate classification (germline): Uncertain significance (1 of 4 stars; one submission).

Conditions:
Encephalopathy, acute, infection-induced (herpes-specific), susceptibility to, 1. Also called: Herpes simplex encephalitis, susceptibility to, 1. Identifiers: Orphanet 1930, MedGen C2750180, MONDO:0024563, OMIM 610551.

Allele frequency attached by ClinVar (database versions not stated): TOPMed 0.00002; ESP Exome Variant Server 0.00015.
gnomAD v4.1: 7 of 1,597,458 alleles (0.00044%); highest among the groups gnomAD compares: African/African-American, 0.0054%; no homozygotes.

Submission:

Labcorp Genetics (formerly Invitae), Labcorp
Classification: Uncertain significance for Encephalopathy, acute, infection-induced (herpes-specific), susceptibility to, 1. Last evaluated: 2022-08-23. Review status: criteria provided, single submitter. Criteria: Invitae Variant Classification Sherloc (09022015). Collection method: clinical testing. Allele origin: germline.
Comment: This sequence change replaces asparagine, which is neutral and polar, with lysine, which is basic and polar, at codon 662 of the TLR3 protein (p.Asn662Lys). In summary, the available evidence is currently insufficient to determine the role of this variant in disease. Therefore, it has been classified as a Variant of Uncertain Significance. Algorithms developed to predict the effect of missense changes on protein structure and function are either unavailable or do not agree on the potential impact of this missense change (SIFT: "Deleterious"; PolyPhen-2: "Probably Damaging"; Align-GVGD: "Class C0"). ClinVar contains an entry for this variant (Variation ID: 852096). This variant has not been reported in the literature in individuals affected with TLR3-related conditions. This variant is present in population databases (rs149490656, gnomAD 0.01%).